The following is an entry in ClinVar:

NM_018972.4(GDAP1):c.244C>A (p.His82Asn)

Gene: GDAP1 (ganglioside induced differentiation associated protein 1; plus strand). Cytogenetic location: 8q21.11.
Variant type: single nucleotide variant.
Coding change: c.244C>A on transcript NM_018972.4 (MANE Select); coding-DNA position 244, C replaced by A.
Protein change: p.His82Asn; replaces histidine 82 with asparagine.
Molecular consequence: missense variant. On other transcripts: intron variant (2).
Genome position (GRCh38, 1-based): chr8:74,351,400, C>A. VCF-style: chr8-74351400-C-A. GRCh37 (hg19) VCF-style: chr8-75263635-C-A.
Other names: c.40C>A, p.His14Asn (NM_001040875.4); c.244C>A, p.His82Asn (NM_001362930.2, NM_001362931.2); c.-18+79C>A (NM_001362929.2); c.-18+822C>A (NM_001362932.2); short protein forms H82N, H14N.
Identifiers: ClinVar variation 1971176 (VCV001971176.5), dbSNP rs765664895, ClinGen allele CA4785061.
Genomic context (GRCh38, chr8:74,351,400, plus strand): 5'-GAGCACAATGAGCCTTGGTTTATGCGTTTGAACTCAACTGGAGAAGTGCCTGTCCTTATC[C>A]ACGGGGAAAACATAATTTGTGAGGCCACTCAGATCATTGATTATCTTGAACAGACTTTCC-3'
Protein context (NP_061845.2, residues 72-92): NSTGEVPVLI[His82Asn]GENIICEATQ

ClinVar aggregate classification (germline): Uncertain significance (1 of 4 stars; one submission).

Conditions:
Charcot-Marie-Tooth disease type 4A. Also called: Charcot-Marie-Tooth disease, demyelinating, autosomal recessive, type 4a. Identifiers: Orphanet 99948, MedGen C1859198, MONDO:0008961, OMIM 214400.

Allele frequency attached by ClinVar (database versions not stated): gnomAD exomes below 0.00001; ExAC 0.00001; gnomAD 0.00001.
gnomAD v4.1: 2 of 1,613,782 alleles (0.00012%); highest among the groups gnomAD compares: Non-Finnish European, 0.00017%; no homozygotes.

Submission:

Labcorp Genetics (formerly Invitae), Labcorp
Classification: Uncertain significance for Charcot-Marie-Tooth disease type 4A. Last evaluated: 2024-06-03. Review status: criteria provided, single submitter. Criteria: Invitae Variant Classification Sherloc (09022015). Collection method: clinical testing. Allele origin: germline.
Comment: This sequence change replaces histidine, which is basic and polar, with asparagine, which is neutral and polar, at codon 82 of the GDAP1 protein (p.His82Asn). This variant is present in population databases (rs765664895, gnomAD 0.0009%). This variant has not been reported in the literature in individuals affected with GDAP1-related conditions. ClinVar contains an entry for this variant (Variation ID: 1971176). An algorithm developed to predict the effect of missense changes on protein structure and function (PolyPhen-2) suggests that this variant is likely to be disruptive. In summary, the available evidence is currently insufficient to determine the role of this variant in disease. Therefore, it has been classified as a Variant of Uncertain Significance.